The following is an entry in ClinVar:

NM_021830.5(TWNK):c.437dup (p.Glu147fs)

Gene: TWNK (twinkle mtDNA helicase; plus strand). Cytogenetic location: 10q24.31.
Variant type: Duplication.
Coding change: c.437dup on transcript NM_021830.5 (MANE Select); coding-DNA position 437, one base duplicated (C; older notation c.437dupC).
Protein change: p.Glu147fs; shifts the reading frame from glutamic acid 147.
Molecular consequence: frameshift variant. On other transcripts: non-coding transcript variant (4), intron variant (3).
Genome position (GRCh38, 1-based): chr10:100,988,647, C duplicated; the last of 2 consecutive C bases (chr10:100,988,646-100,988,647); duplicating either gives the same sequence. VCF-style (leftmost placement, unchanged base first): chr10-100988645-A-AC. GRCh37 (hg19) VCF-style: chr10-102748402-A-AC.
Other names: c.-119-997dup (NM_001163814.2, NM_001163813.2); c.-58+1034dup (NM_001368275.1); c.437dup, p.Glu147fs (NM_001163812.2); short protein forms E147fs.
Identifiers: ClinVar variation 2640761 (VCV002640761.24), dbSNP rs2493628173, ClinGen allele CA2695201033.
Genomic context (GRCh38, chr10:100,988,645, plus strand): 5'-CCAGGCCAGCGTGGAGGGGCGAGGGGATGGGGCCAGGGAGGGGTTTCTGCTTAGCAAGGC[A>AC]CCAGAATTTGAGGACAGCGAGGAGGTCCGGAGGATCTGGAACCGAGCAATACCTCTCTGG-3'

ClinVar aggregate classification (germline): Uncertain significance (1 of 4 stars; one submission).

Submission:

CeGaT Center for Human Genetics Tuebingen
Classification: Uncertain significance. Last evaluated: 2023-04-01. Review status: criteria provided, single submitter. Criteria: CeGaT Center For Human Genetics Tuebingen Variant Classification Criteria Version 2. Collection method: clinical testing. Allele origin: germline. Affected: yes. Observed: 1 variant allele.
Comment: TWNK: PM2